The following is an entry in ClinVar:

ClinVar aggregate classification (germline): Conflicting classifications of pathogenicity. Review status: criteria provided, conflicting classifications (1 of 4 stars). 2 submissions from 2 submitters: Uncertain significance (1); Likely benign (1). Last evaluated 2024-07-30.

Conditions:
Chondrodysplasia punctata, brachytelephalangic, autosomal. Also called: BRACHYTELEPHALANGIC CHONDRODYSPLASIA PUNCTATA. Identifiers: MedGen C1844853, MONDO:0011238, OMIM 602497.

Allele frequency attached by ClinVar (database versions not stated): ExAC 0.00001; gnomAD 0.00002; TOPMed 0.00002; gnomAD exomes 0.00005; ESP Exome Variant Server 0.00009.
gnomAD v4.1: 52 of 1,210,555 alleles (0.0043%); highest among the groups gnomAD compares: Admixed American, 0.017%; no homozygotes.

Submissions (2):

Labcorp Genetics (formerly Invitae), Labcorp
Classification: Uncertain significance for Chondrodysplasia punctata, brachytelephalangic, autosomal. Last evaluated: 2024-07-30. Review status: criteria provided, single submitter. Criteria: Invitae Variant Classification Sherloc (09022015). Collection method: clinical testing. Allele origin: germline.
Comment: This sequence change replaces alanine, which is neutral and non-polar, with threonine, which is neutral and polar, at codon 20 of the ARSE protein (p.Ala20Thr). This variant is present in population databases (rs372935423, gnomAD 0.02%). This variant has not been reported in the literature in individuals affected with ARSE-related conditions. ClinVar contains an entry for this variant (Variation ID: 1683209). An algorithm developed to predict the effect of missense changes on protein structure and function (PolyPhen-2) suggests that this variant is likely to be tolerated. In summary, the available evidence is currently insufficient to determine the role of this variant in disease. Therefore, it has been classified as a Variant of Uncertain Significance.

CeGaT Center for Human Genetics Tuebingen
Classification: Likely benign. Last evaluated: 2024-02-01. Review status: criteria provided, single submitter. Criteria: CeGaT Center For Human Genetics Tuebingen Variant Classification Criteria Version 2. Collection method: clinical testing. Allele origin: germline. Affected: yes. Observed: 1 variant allele.
Comment: ARSL: BS2

NM_000047.3(ARSL):c.58G>A (p.Ala20Thr)

Gene: ARSL (arylsulfatase L; minus strand). Cytogenetic location: Xp22.33.
Variant type: single nucleotide variant.
Coding change: c.58G>A on transcript NM_000047.3 (MANE Select); coding-DNA position 58, G replaced by A.
Protein change: p.Ala20Thr; replaces alanine 20 with threonine.
Molecular consequence: missense variant. On other transcripts: intron variant (1).
Genome position (GRCh38, 1-based): chrX:2,958,401, C>T on the plus strand (G>A on the coding strand, the complement: ARSL is on the minus strand). VCF-style: chrX-2958401-C-T. GRCh37 (hg19) VCF-style: chrX-2876442-C-T.
Other names: c.133G>A, p.Ala45Thr (NM_001282628.2, NM_001369080.1); c.85G>A, p.Ala29Thr (NM_001369079.1); c.23+1977G>A (NM_001282631.2); short protein forms A20T, A29T, A45T.
Identifiers: ClinVar variation 1683209 (VCV001683209.29), dbSNP rs372935423, ClinGen allele CA10338261.